The following is an entry in ClinVar:

NM_020366.4(RPGRIP1):c.800G>T (p.Arg267Leu)

Gene: RPGRIP1 (RPGR interacting protein 1; plus strand). Cytogenetic location: 14q11.2.
Variant type: single nucleotide variant.
Coding change: c.800G>T on transcript NM_020366.4 (MANE Select); coding-DNA position 800, G replaced by T.
Protein change: p.Arg267Leu; replaces arginine 267 with leucine.
Molecular consequence: missense variant.
Genome position (GRCh38, 1-based): chr14:21,303,543, G>T. VCF-style: chr14-21303543-G-T. GRCh37 (hg19) VCF-style: chr14-21771702-G-T.
Other names: short protein forms R267L.
Identifiers: ClinVar variation 2435470 (VCV002435470.4), dbSNP rs758239674, ClinGen allele CA388860979.

ClinVar aggregate classification (germline): Uncertain significance. Review status: criteria provided, multiple submitters, no conflicts (2 of 4 stars). 2 submissions from 2 submitters: Uncertain significance (2). Last evaluated 2026-01-22.

Submissions (2):

Women's Health and Genetics/Laboratory Corporation of America, LabCorp
Classification: Uncertain significance. Last evaluated: 2026-01-22. Review status: criteria provided, single submitter. Criteria: LabCorp Variant Classification Summary - May 2015. Collection method: clinical testing. Allele origin: germline.
Comment: Variant summary: RPGRIP1 c.800G>T (p.Arg267Leu) results in a non-conservative amino acid change in the encoded protein sequence. Algorithms developed to predict the effect of missense changes on protein structure and function are either unavailable or do not agree on the potential impact of this missense change. Several computational tools predict a significant impact on normal splicing: Three predict the variant abolishes a 5' splicing donor site and one predicts the variant weakens a 5' donor site. However, these predictions have yet to be confirmed by functional studies. The variant was absent in 248428 control chromosomes. The available data on variant occurrences in the general population are insufficient to allow any conclusion about variant significance. To our knowledge, no occurrence of c.800G>T in individuals affected with RPGRIP1-related conditions and no experimental evidence demonstrating its impact on protein function have been reported. ClinVar contains an entry for this variant (Variation ID: 2435470). Based on the evidence outlined above, the variant was classified as uncertain significance.

Revvity Omics, Revvity
Classification: Uncertain significance. Last evaluated: 2021-02-02. Review status: criteria provided, single submitter. Criteria: ACMG Guidelines, 2015. Collection method: clinical testing. Allele origin: germline.